The following is an entry in ClinVar:

NM_153366.4(SVEP1):c.1484-4G>A

Gene: SVEP1 (sushi, von Willebrand factor type A, EGF and pentraxin domain containing 1; minus strand). Cytogenetic location: 9q31.3.
Variant type: single nucleotide variant.
Coding change: c.1484-4G>A on transcript NM_153366.4 (MANE Select); 4 bases into the intron before coding-DNA position 1484, G replaced by A.
Molecular consequence: intron variant.
Genome position (GRCh38, 1-based): chr9:110,499,242, C>T on the plus strand (G>A on the coding strand, the complement: SVEP1 is on the minus strand). VCF-style: chr9-110499242-C-T. GRCh37 (hg19) VCF-style: chr9-113261522-C-T.
Other names: NC_000009.11:g.113261522C>T.
Identifiers: ClinVar variation 2659421 (VCV002659421.25), dbSNP rs192079586, ClinGen allele CA5183549.

ClinVar aggregate classification (germline): Likely benign (1 of 4 stars; one submission).

Allele frequency attached by ClinVar (database versions not stated): 1000 Genomes Project 30x 0.00047; 1000 Genomes Project 0.00060; ExAC 0.00358; gnomAD 0.00361; TOPMed 0.00410; ESP Exome Variant Server 0.00465; gnomAD exomes 0.00561.
gnomAD v4.1: 8,778 of 1,607,276 alleles (0.55%); highest among the groups gnomAD compares: Middle Eastern, 0.91%; 33 homozygotes.

Submissions (4):

CeGaT Center for Human Genetics Tuebingen
Classification: Likely benign. Last evaluated: 2023-03-01. Review status: criteria provided, single submitter. Criteria: CeGaT Center For Human Genetics Tuebingen Variant Classification Criteria Version 2. Collection method: clinical testing. Allele origin: germline. Affected: yes. Observed: 1 variant allele.
Comment: SVEP1: BP4, BS2

Dr. Peter K. Rogan Lab, Western University
No classification provided (evidence only). Condition: Ovarian serous cystadenocarcinoma. Review status: no classification provided. Collection method: in vitro. Allele origin: not applicable. Functional consequence: retained intron. Not counted in ClinVar's aggregate classification.

Dr. Peter K. Rogan Lab, Western University
No classification provided (evidence only). Condition: Malignant tumor of esophagus. Review status: no classification provided. Collection method: in vitro. Allele origin: not applicable. Functional consequence: retained intron. Not counted in ClinVar's aggregate classification.

Dr. Peter K. Rogan Lab, Western University
No classification provided (evidence only). Condition: Malignant tumor of esophagus. Review status: no classification provided. Collection method: in vitro. Allele origin: not applicable. Functional consequence: retained intron. Not counted in ClinVar's aggregate classification.